The following is an entry in ClinVar:

NM_004082.5(DCTN1):c.156T>G (p.Phe52Leu)

Gene: DCTN1 (dynactin subunit 1; minus strand). Cytogenetic location: 2p13.1.
Variant type: single nucleotide variant.
Coding change: c.156T>G on transcript NM_004082.5 (MANE Select); coding-DNA position 156, T replaced by G.
Protein change: p.Phe52Leu; replaces phenylalanine 52 with leucine.
Molecular consequence: missense variant. On other transcripts: non-coding transcript variant (1).
Genome position (GRCh38, 1-based): chr2:74,378,123, A>C on the plus strand (T>G on the coding strand, the complement: DCTN1 is on the minus strand). VCF-style: chr2-74378123-A-C. GRCh37 (hg19) VCF-style: chr2-74605250-A-C.
Other names: c.156T>G, p.Phe52Leu (NM_001135040.3, NM_001190837.2); c.105T>G, p.Phe35Leu (NM_001190836.2, NM_001378991.1, NM_001378992.1); short protein forms F35L, F52L.
Identifiers: ClinVar variation 1699560 (VCV001699560.3), dbSNP rs886039227, ClinGen allele CA10588003.
Genomic context (GRCh38, chr2:74,378,123, plus strand): 5'-AGTTCCATCATTTTTGCCCTTTGCTTCATCCAGAATCACGCCTACCCATTTGCCAGTGGC[A>C]AACAGTGTGGCTCCAACATAGGCCACAGTGCCTCGGTGGCCTTTTCCAATCACCTCTACA-3'
Protein context (NP_004073.2, residues 42-62): GTVAYVGATL[Phe52Leu]ATGKWVGVIL

ClinVar aggregate classification (germline): Likely pathogenic. Review status: criteria provided, single submitter (1 of 4 stars). 2 submissions from 2 submitters: Likely pathogenic (1). 1 of the submissions does not count toward it. Last evaluated 2022-01-27.

Conditions:
Perry syndrome. Also called: PARKINSONISM WITH ALVEOLAR HYPOVENTILATION AND MENTAL DEPRESSION. Identifiers: Orphanet 178509, MedGen C1868594, MONDO:0008201, OMIM 168605.

Submissions (2):

GeneDx
Classification: Likely pathogenic. Last evaluated: 2022-01-27. Review status: criteria provided, single submitter. Criteria: GeneDx Variant Classification Process June 2021. Collection method: clinical testing. Allele origin: germline. Affected: yes.
Comment: Published functional studies demonstrate that the variant causes mislocalization and nuclear aggregation of TDP-43, resulting in TDP-43 proteinopathy associated with Perry disease (Deshimaru et al., 2021); Not observed at significant frequency in large population cohorts (gnomAD); In silico analysis supports that this missense variant has a deleterious effect on protein structure/function; This variant is associated with the following publications: (PMID: 24676999, 33924373, 29499916, 33578072, 24881494, 28625595, 27132499, 33476877, 23389780, 33104043, 30215870, 34342072, 29089398, 30518093, 28690533, 25558820, 33462114, 28235672, 28759579, 26662454, 29273399, 27346608, 32942840, 28651750)

Inherited Neuropathy Consortium Ii, University Of Miami
Classification: Uncertain significance for Perry syndrome. Last evaluated: 2016-01-06. Review status: no assertion criteria provided. Collection method: literature only. Allele origin: germline. Affected: yes. Not counted in ClinVar's aggregate classification.

Literature cited by the submitters: PubMed 24676999 (cited by Inherited Neuropathy Consortium Ii, University Of Miami).